The following is an entry in ClinVar:

NM_002796.3(PSMB4):c.43G>A (p.Gly15Ser)

Gene: PSMB4 (proteasome 20S subunit beta 4; plus strand). Cytogenetic location: 1q21.3.
Variant type: single nucleotide variant.
Coding change: c.43G>A on transcript NM_002796.3 (MANE Select); coding-DNA position 43, G replaced by A.
Protein change: p.Gly15Ser; replaces glycine 15 with serine.
Molecular consequence: missense variant.
Genome position (GRCh38, 1-based): chr1:151,399,630, G>A. VCF-style: chr1-151399630-G-A. GRCh37 (hg19) VCF-style: chr1-151372106-G-A.
Other names: short protein forms G15S.
Identifiers: ClinVar variation 3353385 (VCV003353385.3).
Genomic context (GRCh38, chr1:151,399,630, plus strand): 5'-TCTGCTACCGTGACTAAGATGGAAGCGTTTTTGGGGTCGCGGTCCGGACTTTGGGCGGGG[G>A]GTCCGGCCCCAGGACAGTTTTACCGCATTCCGTCCACTCCCGATTCCTTCATGGATCCGG-3'
Protein context (NP_002787.2, residues 5-25): LGSRSGLWAG[Gly15Ser]PAPGQFYRIP

ClinVar aggregate classification (germline): Uncertain significance. Review status: criteria provided, single submitter (1 of 4 stars). 2 submissions from 2 submitters: Uncertain significance (1). 1 of the submissions does not count toward it. Last evaluated 2024-03-14.

Conditions:
PSMB4-related disorder. Also called: PSMB4-related condition.

Submissions (2):

Labcorp Genetics (formerly Invitae), Labcorp
Classification: Uncertain significance. Last evaluated: 2024-03-14. Review status: criteria provided, single submitter. Criteria: Invitae Variant Classification Sherloc (09022015). Collection method: clinical testing. Allele origin: germline.
Comment: This sequence change replaces glycine, which is neutral and non-polar, with serine, which is neutral and polar, at codon 15 of the PSMB4 protein (p.Gly15Ser). This variant is not present in population databases (gnomAD no frequency). This variant has not been reported in the literature in individuals affected with PSMB4-related conditions. An algorithm developed to predict the effect of missense changes on protein structure and function (PolyPhen-2) suggests that this variant is likely to be disruptive. In summary, the available evidence is currently insufficient to determine the role of this variant in disease. Therefore, it has been classified as a Variant of Uncertain Significance.

PreventionGenetics, part of Exact Sciences
Classification: Uncertain significance for PSMB4-related condition. Last evaluated: 2024-04-11. Review status: no assertion criteria provided. Collection method: clinical testing. Allele origin: germline. Not counted in ClinVar's aggregate classification.
Comment: The PSMB4 c.43G>A variant is predicted to result in the amino acid substitution p.Gly15Ser. To our knowledge, this variant has not been reported in the literature or in a large population database, indicating this variant is rare. At this time, the clinical significance of this variant is uncertain due to the absence of conclusive functional and genetic evidence.